The following is an entry in ClinVar:

ClinVar aggregate classification (germline): Conflicting classifications of pathogenicity. Review status: criteria provided, conflicting classifications (1 of 4 stars). 4 submissions from 4 submitters: Likely pathogenic (1); Uncertain significance (2). 1 of the submissions does not count toward it. Last evaluated 2024-11-07.

Conditions:
ATAD3A-related condition.

Allele frequency attached by ClinVar (database versions not stated): TOPMed 0.00002; 1000 Genomes Project 30x 0.00016; 1000 Genomes Project 0.00020; gnomAD exomes 0.00001; ExAC 0.00002; gnomAD 0.00002.
gnomAD v4.1: 43 of 1,613,890 alleles (0.0027%); highest among the groups gnomAD compares: South Asian, 0.0033%; 1 homozygote.

Submissions (4):

GeneDx
Classification: Uncertain significance. Last evaluated: 2024-11-07. Review status: criteria provided, single submitter. Criteria: GeneDx Variant Classification Process June 2021. Collection method: clinical testing. Allele origin: germline. Affected: yes.
Comment: In silico analysis supports that this missense variant has a deleterious effect on protein structure/function; This variant is associated with the following publications: (PMID: 31496783, 31239750, 37031571)

PreventionGenetics, part of Exact Sciences
Classification: Likely pathogenic for ATAD3A-related condition. Last evaluated: 2024-10-23. Review status: criteria provided, single submitter. Criteria: ACMG Guidelines, 2015. Collection method: clinical testing. Allele origin: germline.
Comment: The ATAD3A c.251C>T variant is predicted to result in the amino acid substitution p.Thr84Met. This variant was reported as a homozygous variant in an individual with cerebellar atrophy, hypotonia, and spasticity (Al Madhoun et al. 2019. PubMed ID: 31239750). This variant was also reported as heterozygous in an affected individual with Harel-Yoon syndrome who also had a novel heterozygous deletion of ATAD3A (Chen et al. 2023. PubMed ID: 37031571). This variant is reported in 0.0054% of alleles in individuals of East Asian descent in gnomAD. This variant is interpreted as likely pathogenic.

Revvity Omics, Revvity
Classification: Uncertain significance. Last evaluated: 2023-11-03. Review status: criteria provided, single submitter. Criteria: ACMG Guidelines, 2015. Collection method: clinical testing. Allele origin: germline.

Genetics and Genomic Medicine Centre, NeuroGen Healthcare, NeuroGen Healthcare
Classification: Likely pathogenic. Last evaluated: 2022-05-13. Review status: no assertion criteria provided. Collection method: clinical testing. Allele origin: unknown. Affected: yes. Not counted in ClinVar's aggregate classification.

NM_001170535.3(ATAD3A):c.251C>T (p.Thr84Met)

Gene: ATAD3A (ATPase family AAA domain containing 3A; plus strand). Cytogenetic location: 1p36.33.
Variant type: single nucleotide variant.
Coding change: c.251C>T on transcript NM_001170535.3 (MANE Select); coding-DNA position 251, C replaced by T.
Protein change: p.Thr84Met; replaces threonine 84 with methionine.
Molecular consequence: missense variant.
Genome position (GRCh38, 1-based): chr1:1,516,057, C>T. VCF-style: chr1-1516057-C-T. GRCh37 (hg19) VCF-style: chr1-1451437-C-T.
Other names: c.14C>T, p.Thr5Met (NM_001170536.3); c.251C>T, p.Thr84Met (NM_018188.5); short protein forms T84M, T5M.
Identifiers: ClinVar variation 452865 (VCV000452865.7), dbSNP rs546711654, ClinGen allele CA525647.